The following is an entry in ClinVar:

NM_000038.6(APC):c.934-14C>T

Gene: APC (APC regulator of Wnt signaling pathway; plus strand). Cytogenetic location: 5q22.2.
Variant type: single nucleotide variant.
Coding change: c.934-14C>T on transcript NM_000038.6 (MANE Select); 14 bases into the intron before coding-DNA position 934, C replaced by T.
Molecular consequence: intron variant.
Genome position (GRCh38, 1-based): chr5:112,818,952, C>T. VCF-style: chr5-112818952-C-T. GRCh37 (hg19) VCF-style: chr5-112154649-C-T.
Other names: c.934-14C>T (NM_001354895.2, NM_001127510.3, NM_001354896.2); c.964-14C>T (NM_001354897.2); c.964-317C>T (NM_001354902.2); c.880-14C>T (NM_001127511.3); c.859-14C>T (NM_001354898.2); c.859-317C>T (NM_001354904.2); c.85-14C>T (NM_001354906.2); c.934-317C>T (NM_001354903.2); and 3 more.
Identifiers: ClinVar variation 372038 (VCV000372038.23), dbSNP rs778707022, ClinGen allele CA051264.

ClinVar aggregate classification (germline): Conflicting classifications of pathogenicity. Review status: criteria provided, conflicting classifications (1 of 4 stars). 9 submissions from 9 submitters: Uncertain significance (1); Benign (2); Likely benign (5). 1 of the submissions does not count toward it. Last evaluated 2026-01-31.

Conditions:
Hereditary cancer-predisposing syndrome. Also called: Tumor predisposition; Neoplastic Syndromes, Hereditary; Hereditary Cancer Syndrome; Hereditary neoplastic syndrome. Identifiers: Orphanet 140162, MedGen C0027672, MeSH D009386, MONDO:0015356.
Classic or attenuated familial adenomatous polyposis. Identifiers: MedGen CN372698, MONDO:0021057.
APC-Associated Polyposis Disorders.
Desmoid disease, hereditary (DESMD). Also called: FIBROMATOSIS, FAMILIAL INFILTRATIVE. Identifiers: Orphanet 873, MedGen C1851124, OMIM 135290. Disease mechanism: loss of function.
Familial adenomatous polyposis 1 (FAP1). Also called: POLYPOSIS, ADENOMATOUS INTESTINAL; FAMILIAL ADENOMATOUS POLYPOSIS 1, ATTENUATED. Identifiers: MedGen C2713442, MONDO:0021056, OMIM 175100. Disease mechanism: loss of function.

Allele frequency attached by ClinVar (database versions not stated): ExAC 0.00004; gnomAD exomes 0.00004 and 0.00007; gnomAD 0.00006 and 0.00007; TOPMed 0.00007.
gnomAD v4.1: 72 of 1,592,574 alleles (0.0045%); highest among the groups gnomAD compares: East Asian, 0.0023%; no homozygotes.

Submissions (9):

Labcorp Genetics (formerly Invitae), Labcorp
Classification: Benign for Familial adenomatous polyposis 1. Last evaluated: 2026-01-31. Review status: criteria provided, single submitter. Criteria: Invitae Variant Classification Sherloc (09022015). Collection method: clinical testing. Allele origin: germline.

Blueprint Genetics
Classification: Likely benign. Last evaluated: 2024-08-28. Review status: criteria provided, single submitter. Criteria: ACMG Guidelines, 2015. Collection method: clinical testing. Allele origin: germline.

All of Us Research Program, National Institutes of Health
Classification: Likely benign for Classic or attenuated familial adenomatous polyposis. Last evaluated: 2023-12-18. Review status: criteria provided, single submitter. Criteria: ACMG Guidelines, 2015. Collection method: clinical testing. Allele origin: germline. Inheritance: Autosomal dominant inheritance. Observed: 20 variant alleles, 20 heterozygotes.
Comment: This study involves interpretation of variants in research participants for the purpose of population health screening. Participant phenotype was not available at the time of variant classification. Additional details can be found in publication PMID: 35346344, PMCID: PMC8962531

Myriad Genetics, Inc.
Classification: Likely benign for Familial adenomatous polyposis 1. Last evaluated: 2023-02-14. Review status: criteria provided, single submitter. Criteria: Myriad Autosomal Dominant, Autosomal Recessive and X-Linked Classification Criteria (2023). Collection method: clinical testing. Allele origin: unknown.
Comment: This variant is considered likely benign. This variant is intronic and is not expected to impact mRNA splicing.

Department of Pathology and Laboratory Medicine, Sinai Health System
Classification: Likely benign for Desmoid disease, hereditary. Last evaluated: 2022-02-01. Review status: criteria provided, single submitter. Criteria: ACMG Guidelines, 2015. Collection method: clinical testing. Allele origin: germline. Affected: yes.

Illumina Laboratory Services, Illumina
Classification: Uncertain significance for APC-Associated Polyposis Disorders. Last evaluated: 2018-01-12. Review status: criteria provided, single submitter. Criteria: ICSL Variant Classification Criteria 13 December 2019. Collection method: clinical testing. Allele origin: germline.

Color Diagnostics, LLC DBA Color Health
Classification: Likely benign for Hereditary cancer-predisposing syndrome. Last evaluated: 2016-05-03. Review status: criteria provided, single submitter. Criteria: ACMG Guidelines, 2015. Collection method: clinical testing. Allele origin: germline.

GeneDx
Classification: Benign. Last evaluated: 2015-03-03. Review status: criteria provided, single submitter. Criteria: GeneDx Variant Classification Process June 2021. Collection method: clinical testing. Allele origin: germline. Affected: yes.

Counsyl
Classification: Likely benign for Familial adenomatous polyposis 1. Last evaluated: 2016-10-20. Review status: no assertion criteria provided. Collection method: clinical testing. Allele origin: unknown. Not counted in ClinVar's aggregate classification.